The following is an entry in ClinVar:

ClinVar aggregate classification (germline): Likely pathogenic (1 of 4 stars; one submission).

Conditions:
Sjögren-Larsson syndrome (SLS). Also called: FALDH DEFICIENCY; FATTY ALCOHOL:NAD+ OXIDOREDUCTASE DEFICIENCY; FATTY ALDEHYDE DEHYDROGENASE DEFICIENCY; ICHTHYOSIS, SPASTIC NEUROLOGIC DISORDER, AND OLIGOPHRENIA. Identifiers: Orphanet 816, MedGen C0037231, MONDO:0010031, OMIM 270200.

Submission:

Myriad Genetics, Inc.
Classification: Likely pathogenic for Sjögren-Larsson syndrome. Last evaluated: 2022-03-17. Review status: criteria provided, single submitter. Criteria: Myriad Women's Health Autosomal Recessive and X-Linked Classification Criteria (2021). Collection method: clinical testing. Allele origin: unknown.
Comment: NM_000382.2(ALDH3A2):c.723C>A(C241*) is expected to be pathogenic in the context of Sjogren-Larsson syndrome. This variant is predicted to lead to an abnormal or absent protein product due to the creation of a premature termination codon in ALDH3A2, a gene where loss-of-function variants are known to be pathogenic. Please note: this variant was assessed in the context of healthy population screening.

NM_000382.3(ALDH3A2):c.723C>A (p.Cys241Ter)

Gene: ALDH3A2 (aldehyde dehydrogenase 3 family member A2; plus strand). Cytogenetic location: 17p11.2.
Variant type: single nucleotide variant.
Coding change: c.723C>A on transcript NM_000382.3 (MANE Select); coding-DNA position 723, C replaced by A.
Protein change: p.Cys241Ter; replaces cysteine 241 with a stop codon.
Molecular consequence: nonsense.
Genome position (GRCh38, 1-based): chr17:19,657,787, C>A. VCF-style: chr17-19657787-C-A. GRCh37 (hg19) VCF-style: chr17-19561100-C-A.
Other names: c.723C>A, p.Cys241Ter (NM_001031806.2, NM_001369136.1, NM_001369137.2 and 3 more transcripts); c.144C>A, p.Cys48Ter (NM_001369148.2); short protein forms C241*, C48*.
Identifiers: ClinVar variation 1725338 (VCV001725338.2), dbSNP rs2544375892, ClinGen allele CA398706791.